The following is an entry in ClinVar:

ClinVar aggregate classification (germline): Likely benign (1 of 4 stars; one submission).

Submission:

CeGaT Center for Human Genetics Tuebingen
Classification: Likely benign. Last evaluated: 2026-04-01. Review status: criteria provided, single submitter. Criteria: CeGaT Center For Human Genetics Tuebingen Variant Classification Criteria Version 2. Collection method: clinical testing. Allele origin: germline. Affected: yes. Observed: 1 variant allele.
Comment: REXO1L1P: BP4, BP7

NC_000008.11:g.85663147G>A

Variant type: single nucleotide variant.
Genome position: GRCh38 VCF-style: chr8-85663147-G-A. GRCh37 (hg19) VCF-style: chr8-86575376-G-A.
Identifiers: ClinVar variation 4873632 (VCV004873632.2).